The following is an entry in ClinVar:

ClinVar aggregate classification (germline): Uncertain significance (1 of 4 stars; one submission).

gnomAD v4.1: 1 of 1,613,928 alleles (0.000062%); no homozygotes.

Submission:

Labcorp Genetics (formerly Invitae), Labcorp
Classification: Uncertain significance. Last evaluated: 2024-02-23. Review status: criteria provided, single submitter. Criteria: Invitae Variant Classification Sherloc (09022015). Collection method: clinical testing. Allele origin: germline.
Comment: This sequence change replaces lysine, which is basic and polar, with asparagine, which is neutral and polar, at codon 125 of the CACNA2D4 protein (p.Lys125Asn). This variant is not present in population databases (gnomAD no frequency). This variant has not been reported in the literature in individuals affected with CACNA2D4-related conditions. ClinVar contains an entry for this variant (Variation ID: 2182169). An algorithm developed to predict the effect of missense changes on protein structure and function (PolyPhen-2) suggests that this variant is likely to be tolerated. In summary, the available evidence is currently insufficient to determine the role of this variant in disease. Therefore, it has been classified as a Variant of Uncertain Significance.

NM_172364.5(CACNA2D4):c.375G>C (p.Lys125Asn)

Gene: CACNA2D4 (calcium voltage-gated channel auxiliary subunit alpha2delta 4; minus strand). Cytogenetic location: 12p13.33.
Variant type: single nucleotide variant.
Coding change: c.375G>C on transcript NM_172364.5 (MANE Select); coding-DNA position 375, G replaced by C.
Protein change: p.Lys125Asn; replaces lysine 125 with asparagine.
Molecular consequence: missense variant.
Genome position (GRCh38, 1-based): chr12:1,913,074, C>G on the plus strand (G>C on the coding strand, the complement: CACNA2D4 is on the minus strand). VCF-style: chr12-1913074-C-G. GRCh37 (hg19) VCF-style: chr12-2022240-C-G.
Other names: short protein forms K125N.
Identifiers: ClinVar variation 2182169 (VCV002182169.4), dbSNP rs369268682, ClinGen allele CA383364954.